The following is an entry in ClinVar:

NM_172369.5(C1QC):c.319G>A (p.Glu107Lys)

Gene: C1QC (complement C1q C chain; plus strand). Cytogenetic location: 1p36.12.
Variant type: single nucleotide variant.
Coding change: c.319G>A on transcript NM_172369.5 (MANE Select); coding-DNA position 319, G replaced by A.
Protein change: p.Glu107Lys; replaces glutamic acid 107 with lysine.
Molecular consequence: missense variant.
Genome position (GRCh38, 1-based): chr1:22,647,364, G>A. VCF-style: chr1-22647364-G-A. GRCh37 (hg19) VCF-style: chr1-22973857-G-A.
Other names: c.319G>A, p.Glu107Lys (NM_001114101.3, NM_001347619.2); c.52G>A, p.Glu18Lys (NM_001347620.2); short protein forms E18K, E107K.
Identifiers: ClinVar variation 1352674 (VCV001352674.5), dbSNP rs2148297157, ClinGen allele CA338935985.

ClinVar aggregate classification (germline): Uncertain significance (1 of 4 stars; one submission).

Submission:

Labcorp Genetics (formerly Invitae), Labcorp
Classification: Uncertain significance. Last evaluated: 2021-08-14. Review status: criteria provided, single submitter. Criteria: Invitae Variant Classification Sherloc (09022015). Collection method: clinical testing. Allele origin: germline.
Comment: This sequence change replaces glutamic acid with lysine at codon 107 of the C1QC protein (p.Glu107Lys). The glutamic acid residue is highly conserved and there is a small physicochemical difference between glutamic acid and lysine. This variant is not present in population databases (ExAC no frequency). This variant has not been reported in the literature in individuals affected with C1QC-related conditions. Algorithms developed to predict the effect of missense changes on protein structure and function are either unavailable or do not agree on the potential impact of this missense change (SIFT: "Deleterious"; PolyPhen-2: "Benign"; Align-GVGD: "Class C15"). In summary, the available evidence is currently insufficient to determine the role of this variant in disease. Therefore, it has been classified as a Variant of Uncertain Significance.